The following is an entry in ClinVar:

NM_170707.4(LMNA):c.121C>T (p.Arg41Cys)

Gene: LMNA (lamin A/C; plus strand). Cytogenetic location: 1q22.
Variant type: single nucleotide variant.
Coding change: c.121C>T on transcript NM_170707.4 (MANE Select); coding-DNA position 121, C replaced by T.
Protein change: p.Arg41Cys; replaces arginine 41 with cysteine.
Molecular consequence: missense variant. On other transcripts: 5 prime UTR variant (8), intron variant (2).
Genome position (GRCh38, 1-based): chr1:156,115,039, C>T. VCF-style: chr1-156115039-C-T. GRCh37 (hg19) VCF-style: chr1-156084830-C-T.
Other names: c.121C>T, p.Arg41Cys (NM_001282625.2, NM_001282626.2, NM_001406983.1 and 6 more transcripts); c.-303C>T (NM_001406986.1); c.-281C>T (NM_001406990.1, NM_001406995.1, NM_001407002.1); c.-544C>T (NM_001406994.1, NM_001407000.1); c.-724C>T (NM_001406999.1); c.-387C>T (NM_001407001.1); c.-203+8216C>T (NM_001406993.1, NM_001407003.1); short protein forms R41C.
Identifiers: ClinVar variation 2733990 (VCV002733990.3), dbSNP rs1572332164, ClinGen allele CA342807740.

ClinVar aggregate classification (germline): Pathogenic (1 of 4 stars; one submission).

Conditions:
Charcot-Marie-Tooth disease type 2. Also called: Charcot-Marie-Tooth type 2. Identifiers: Orphanet 64746, MedGen C0270914, MONDO:0018993.

Submission:

Labcorp Genetics (formerly Invitae), Labcorp
Classification: Pathogenic for Charcot-Marie-Tooth disease type 2. Last evaluated: 2024-07-31. Review status: criteria provided, single submitter. Criteria: Invitae Variant Classification Sherloc (09022015). Collection method: clinical testing. Allele origin: germline.
Comment: This sequence change replaces arginine, which is basic and polar, with cysteine, which is neutral and slightly polar, at codon 41 of the LMNA protein (p.Arg41Cys). This variant is not present in population databases (gnomAD no frequency). This missense change has been observed in individuals with autosomal dominant LMNA-related conditions (PMID: 20980393; Invitae). Advanced modeling of protein sequence and biophysical properties (such as structural, functional, and spatial information, amino acid conservation, physicochemical variation, residue mobility, and thermodynamic stability) performed at Invitae indicates that this missense variant is expected to disrupt LMNA protein function with a positive predictive value of 95%. Experimental studies have shown that this missense change affects LMNA function (PMID: 34862408). This variant disrupts the p.Arg41 amino acid residue in LMNA. Other variant(s) that disrupt this residue have been determined to be pathogenic (PMID: 20980393, 29250285). This suggests that this residue is clinically significant, and that variants that disrupt this residue are likely to be disease-causing. For these reasons, this variant has been classified as Pathogenic.

Literature cited by the submitters: PubMed 20980393; PubMed 34862408; PubMed 29250285.